The following is an entry in ClinVar:

ClinVar aggregate classification (germline): Uncertain significance. Review status: criteria provided, multiple submitters, no conflicts (2 of 4 stars). 2 submissions from 2 submitters: Uncertain significance (2). Last evaluated 2025-02-01.

Conditions:
Cardiovascular phenotype. Identifiers: MedGen CN230736.
Familial hypobetalipoproteinemia 1. Also called: APOB-Related Familial Hypobetalipoproteinemia; Hypobetalipoproteinemia, normotriglyceridemic; Acanthocytosis with hypobetalipoproteinemia. Identifiers: MedGen C4551990, MONDO:0014252, OMIM 615558.
Hypercholesterolemia, autosomal dominant, type B (FHCL2). Also called: Familial Hypercholesterolemia Type B; APOLIPOPROTEIN B-100, FAMILIAL DEFECTIVE; APOLIPOPROTEIN B-100, FAMILIAL LIGAND-DEFECTIVE; HYPERCHOLESTEROLEMIA, FAMILIAL, DUE TO LIGAND-DEFECTIVE APOLIPOPROTEIN B; Hyperlipoproteinemia Type IIb; Familial hypercholesterolemia 2. Identifiers: MedGen C1704417, MONDO:0007751, OMIM 144010.

Allele frequency attached by ClinVar (database versions not stated): gnomAD exomes below 0.00001; gnomAD 0.00001; TOPMed 0.00001.
gnomAD v4.1: 7 of 1,613,934 alleles (0.00043%); highest among the groups gnomAD compares: African/African-American, 0.0027%; no homozygotes.

Submissions (2):

Ambry Genetics
Classification: Uncertain significance for Cardiovascular phenotype. Last evaluated: 2025-02-01. Review status: criteria provided, single submitter. Criteria: Ambry Variant Classification Scheme 2023. Collection method: clinical testing. Allele origin: germline.
Comment: The p.A3008T variant (also known as c.9022G>A), located in coding exon 26 of the APOB gene, results from a G to A substitution at nucleotide position 9022. The alanine at codon 3008 is replaced by threonine, an amino acid with similar properties. This amino acid position is conserved. In addition, this alteration is predicted to be tolerated by in silico analysis. Based on the available evidence, the clinical significance of this variant remains unclear.

Labcorp Genetics (formerly Invitae), Labcorp
Classification: Uncertain significance for Familial hypobetalipoproteinemia 1; Hypercholesterolemia, autosomal dominant, type B. Last evaluated: 2022-11-30. Review status: criteria provided, single submitter. Criteria: Invitae Variant Classification Sherloc (09022015). Collection method: clinical testing. Allele origin: germline.
Comment: The frequency data for this variant in the population databases is considered unreliable, as metrics indicate poor data quality at this position in the gnomAD database. This variant has not been reported in the literature in individuals affected with APOB-related conditions. Advanced modeling of protein sequence and biophysical properties (such as structural, functional, and spatial information, amino acid conservation, physicochemical variation, residue mobility, and thermodynamic stability) performed at Invitae indicates that this missense variant is not expected to disrupt APOB protein function. In summary, the available evidence is currently insufficient to determine the role of this variant in disease. Therefore, it has been classified as a Variant of Uncertain Significance. This sequence change replaces alanine, which is neutral and non-polar, with threonine, which is neutral and polar, at codon 3008 of the APOB protein (p.Ala3008Thr).

NM_000384.3(APOB):c.9022G>A (p.Ala3008Thr)

Gene: APOB (apolipoprotein B; minus strand). Cytogenetic location: 2p24.1.
Variant type: single nucleotide variant.
Coding change: c.9022G>A on transcript NM_000384.3 (MANE Select); coding-DNA position 9022, G replaced by A.
Protein change: p.Ala3008Thr; replaces alanine 3008 with threonine.
Molecular consequence: missense variant.
Genome position (GRCh38, 1-based): chr2:21,007,846, C>T on the plus strand (G>A on the coding strand, the complement: APOB is on the minus strand). VCF-style: chr2-21007846-C-T. GRCh37 (hg19) VCF-style: chr2-21230718-C-T.
Other names: c.9022G>A (NM_000384.2); short protein forms A3008T.
Identifiers: ClinVar variation 2931685 (VCV002931685.3), dbSNP rs760938593, ClinGen allele CA345992609.